The following is an entry in ClinVar:

ClinVar aggregate classification (germline): Uncertain significance. Review status: criteria provided, multiple submitters, no conflicts (2 of 4 stars). 2 submissions from 2 submitters: Uncertain significance (2). Last evaluated 2021-08-31.

Conditions:
Cowden syndrome (CS). Also called: Cowden's disease; Cowden's syndrome; Cowden disease. Identifiers: Orphanet 201, MedGen C0018553, MONDO:0016063. Disease mechanism: gain of function.
Cowden syndrome 5 (CWS5). Identifiers: Orphanet 201, MedGen C3554518, MONDO:0014047, OMIM 615108.

Allele frequency attached by ClinVar (database versions not stated): ExAC 0.00001; gnomAD exomes 0.00001; TOPMed 0.00003.
gnomAD v4.1: 3 of 1,612,614 alleles (0.00019%); highest among the groups gnomAD compares: Admixed American, 0.0033%; no homozygotes.

Submissions (2):

Labcorp Genetics (formerly Invitae), Labcorp
Classification: Uncertain significance for Cowden syndrome. Last evaluated: 2021-08-31. Review status: criteria provided, single submitter. Criteria: Invitae Variant Classification Sherloc (09022015). Collection method: clinical testing. Allele origin: germline.
Comment: This sequence change replaces cysteine with arginine at codon 844 of the PIK3CA protein (p.Cys844Arg). The cysteine residue is highly conserved and there is a large physicochemical difference between cysteine and arginine. This variant is present in population databases (rs756890248, ExAC 0.006%). This variant has not been reported in the literature in individuals affected with PIK3CA-related conditions. Algorithms developed to predict the effect of missense changes on protein structure and function (SIFT, PolyPhen-2, Align-GVGD) all suggest that this variant is likely to be tolerated. In summary, the available evidence is currently insufficient to determine the role of this variant in disease. Therefore, it has been classified as a Variant of Uncertain Significance.

New York Genome Center
Classification: Uncertain significance for Cowden syndrome 5. Last evaluated: 2019-11-26. Review status: criteria provided, single submitter. Criteria: NYGC Assertion Criteria 2020. Collection method: clinical testing. Allele origin: maternal. Observed: 1 heterozygote. Study: CSER-NYCKidSeq. Segregation with disease not observed.
Comment: The inherited c.2530T>C, p.Cys844Arg missense variant in the PIK3CA gene has not been reported in the available literature. The variant maps to the kinase domain,which acts as a lipid-binding interface of the p110Î± protein [PMID: 30197175]. The variant has 0.0008% allele frequency in the gnomAD database (2 out of 248,178 heterozygous alleles), indicating this is a rare allele. In silico tools, SIFT, PolyPhen, REVEL,and CADD predict conflicting evidence of pathogenicity. Based on the available evidence, the c.2530T>C, p.Cys844Arg variant in the PIK3CA gene is classified as a variant of uncertain significance.

NM_006218.4(PIK3CA):c.2530T>C (p.Cys844Arg)

Gene: PIK3CA (phosphatidylinositol-4,5-bisphosphate 3-kinase catalytic subunit alpha; plus strand). Cytogenetic location: 3q26.32.
Variant type: single nucleotide variant.
Coding change: c.2530T>C on transcript NM_006218.4 (MANE Select); coding-DNA position 2530, T replaced by C.
Protein change: p.Cys844Arg; replaces cysteine 844 with arginine.
Molecular consequence: missense variant.
Genome position (GRCh38, 1-based): chr3:179,229,306, T>C. VCF-style: chr3-179229306-T-C. GRCh37 (hg19) VCF-style: chr3-178947094-T-C.
Other names: short protein forms C844R.
Identifiers: ClinVar variation 996913 (VCV000996913.7), dbSNP rs756890248, ClinGen allele CA2710980.